The following is an entry in ClinVar:

NM_000245.4(MET):c.1652G>A (p.Cys551Tyr)

Gene: MET (MET proto-oncogene, receptor tyrosine kinase; plus strand). Cytogenetic location: 7q31.2.
Variant type: single nucleotide variant.
Coding change: c.1652G>A on transcript NM_000245.4 (MANE Select); coding-DNA position 1652, G replaced by A.
Protein change: p.Cys551Tyr; replaces cysteine 551 with tyrosine.
Molecular consequence: missense variant.
Genome position (GRCh38, 1-based): chr7:116,740,976, G>A. VCF-style: chr7-116740976-G-A. GRCh37 (hg19) VCF-style: chr7-116381030-G-A.
Other names: c.1652G>A, p.Cys551Tyr (NM_001127500.3, NM_001324401.3); c.362G>A, p.Cys121Tyr (NM_001324402.2); short protein forms C121Y, C551Y.
Identifiers: ClinVar variation 4769330 (VCV004769330.1).

ClinVar aggregate classification (germline): Uncertain significance (1 of 4 stars; one submission).

Conditions:
Renal cell carcinoma. Identifiers: Orphanet 217071, MedGen C0007134, MeSH D002292, MONDO:0005086, HP:0005584.

Submission:

Labcorp Genetics (formerly Invitae), Labcorp
Classification: Uncertain significance for Renal cell carcinoma. Last evaluated: 2025-12-09. Review status: criteria provided, single submitter. Criteria: Invitae Variant Classification Sherloc (09022015). Collection method: clinical testing. Allele origin: germline.
Comment: This sequence change replaces cysteine, which is neutral and slightly polar, with tyrosine, which is neutral and polar, at codon 551 of the MET protein (p.Cys551Tyr). This variant is not present in population databases (gnomAD no frequency). This variant has not been reported in the literature in individuals affected with MET-related conditions. Invitae Evidence Modeling of protein sequence and biophysical properties (such as structural, functional, and spatial information, amino acid conservation, physicochemical variation, residue mobility, and thermodynamic stability) indicates that this missense variant is expected to disrupt MET protein function with a positive predictive value of 80%. In summary, the available evidence is currently insufficient to determine the role of this variant in disease. Therefore, it has been classified as a Variant of Uncertain Significance.